The following is an entry in ClinVar:

ClinVar aggregate classification (germline): Uncertain significance (1 of 4 stars; one submission).

gnomAD v4.1: 3 of 1,614,072 alleles (0.00019%); highest among the groups gnomAD compares: African/African-American, 0.0027%; no homozygotes.

Submission:

Labcorp Genetics (formerly Invitae), Labcorp
Classification: Uncertain significance. Last evaluated: 2024-09-27. Review status: criteria provided, single submitter. Criteria: Invitae Variant Classification Sherloc (09022015). Collection method: clinical testing. Allele origin: germline.
Comment: This sequence change replaces proline, which is neutral and non-polar, with serine, which is neutral and polar, at codon 1303 of the SON protein (p.Pro1303Ser). This variant is present in population databases (no rsID available, gnomAD 0.01%). This variant has not been reported in the literature in individuals affected with SON-related conditions. An algorithm developed to predict the effect of missense changes on protein structure and function outputs the following: PolyPhen-2: "Benign". The serine amino acid residue is found in multiple mammalian species, which suggests that this missense change does not adversely affect protein function. In summary, the available evidence is currently insufficient to determine the role of this variant in disease. Therefore, it has been classified as a Variant of Uncertain Significance.

NM_138927.4(SON):c.3907C>T (p.Pro1303Ser)

Gene: SON (SON DNA and RNA binding protein; plus strand). Cytogenetic location: 21q22.11.
Variant type: single nucleotide variant.
Coding change: c.3907C>T on transcript NM_138927.4 (MANE Select); coding-DNA position 3907, C replaced by T.
Protein change: p.Pro1303Ser; replaces proline 1303 with serine.
Molecular consequence: missense variant. On other transcripts: non-coding transcript variant (1), intron variant (1).
Genome position (GRCh38, 1-based): chr21:33,553,138, C>T. VCF-style: chr21-33553138-C-T. GRCh37 (hg19) VCF-style: chr21-34925444-C-T.
Other names: c.3907C>T, p.Pro1303Ser (NM_001291411.2, NM_032195.3); c.245-4018C>T (NM_001291412.3); short protein forms P1303S.
Identifiers: ClinVar variation 3608683 (VCV003608683.2).